The following is an entry in ClinVar:

ClinVar aggregate classification (germline): Pathogenic. Review status: criteria provided, multiple submitters, no conflicts (2 of 4 stars). 2 submissions from 2 submitters: Pathogenic (2). Last evaluated 2024-03-10.

Conditions:
Ichthyosis linearis circumflexa. Identifiers: MedGen C0265962, MONDO:0043106, HP:0025810.

Allele frequency attached by ClinVar (database versions not stated): gnomAD exomes 0.00001.
gnomAD v4.1: 5 of 1,613,242 alleles (0.00031%); highest among the groups gnomAD compares: Non-Finnish European, 0.00042%; no homozygotes.

Submissions (2):

Labcorp Genetics (formerly Invitae), Labcorp
Classification: Pathogenic for Ichthyosis linearis circumflexa. Last evaluated: 2024-03-10. Review status: criteria provided, single submitter. Criteria: Invitae Variant Classification Sherloc (09022015). Collection method: clinical testing. Allele origin: germline.
Comment: This sequence change creates a premature translational stop signal (p.Cys510*) in the SPINK5 gene. It is expected to result in an absent or disrupted protein product. Loss-of-function variants in SPINK5 are known to be pathogenic (PMID: 11511292, 11841556). This variant is not present in population databases (gnomAD no frequency). This premature translational stop signal has been observed in individual(s) with Netherton syndrome (PMID: 32767583). ClinVar contains an entry for this variant (Variation ID: 523881). For these reasons, this variant has been classified as Pathogenic.

GeneDx
Classification: Pathogenic. Last evaluated: 2018-04-06. Review status: criteria provided, single submitter. Criteria: GeneDx Variant Classification (06012015). Collection method: clinical testing. Allele origin: germline. Affected: yes.
Comment: The C510X variant has not been published as a pathogenic variant, nor has it been reported as a benign variant to our knowledge. The variant is not observed in large population cohorts (Lek et al., 2016). C510X is predicted to cause loss of normal protein function either through protein truncation or nonsense-mediated mRNA decay. In summary, we consider this variant to be pathogenic.

Literature cited by the submitters: PubMed 11511292 (cited by Labcorp Genetics (formerly Invitae), Labcorp); PubMed 11841556 (cited by Labcorp Genetics (formerly Invitae), Labcorp); PubMed 32767583 (cited by Labcorp Genetics (formerly Invitae), Labcorp).

NM_006846.4(SPINK5):c.1530C>A (p.Cys510Ter)

Gene: SPINK5 (serine peptidase inhibitor Kazal type 5; plus strand). Cytogenetic location: 5q32.
Variant type: single nucleotide variant.
Coding change: c.1530C>A on transcript NM_006846.4 (MANE Select); coding-DNA position 1530, C replaced by A.
Protein change: p.Cys510Ter; replaces cysteine 510 with a stop codon.
Molecular consequence: nonsense.
Genome position (GRCh38, 1-based): chr5:148,107,087, C>A. VCF-style: chr5-148107087-C-A. GRCh37 (hg19) VCF-style: chr5-147486650-C-A.
Other names: c.1530C>A, p.Cys510Ter (NM_001127698.2, NM_001127699.2); short protein forms C510*.
Identifiers: ClinVar variation 523881 (VCV000523881.4), dbSNP rs1554105045, ClinGen allele CA361639184.